The following is an entry in ClinVar:

ClinVar aggregate classification (germline): Uncertain significance. Review status: criteria provided, multiple submitters, no conflicts (2 of 4 stars). 2 submissions from 2 submitters: Uncertain significance (2). Last evaluated 2021-10-28.

Conditions:
Saethre-Chotzen syndrome (SCS). Also called: ACROCEPHALY, SKULL ASYMMETRY, AND MILD SYNDACTYLY; ACS III; CHOTZEN SYNDROME. Identifiers: Orphanet 794, MedGen C0175699, MONDO:0007042, OMIM 101400.
TWIST1-related craniosynostosis (CRS1). Also called: CRANIOSYNOSTOSIS 1. Identifiers: Orphanet 63440, MedGen C4551902, MONDO:0007399, OMIM 123100. Inheritance: Heterogenous inheritance pattern.

Submissions (2):

Labcorp Genetics (formerly Invitae), Labcorp
Classification: Uncertain significance for TWIST1-related craniosynostosis; Saethre-Chotzen syndrome. Last evaluated: 2021-10-28. Review status: criteria provided, single submitter. Criteria: Invitae Variant Classification Sherloc (09022015). Collection method: clinical testing. Allele origin: germline.
Comment: In summary, the available evidence is currently insufficient to determine the role of this variant in disease. Therefore, it has been classified as a Variant of Uncertain Significance. Experimental studies and prediction algorithms are not available or were not evaluated, and the functional significance of this variant is currently unknown. This variant, c.276_293del, results in the deletion of 6 amino acid(s) of the TWIST1 protein (p.Ser94_Ser99del), but otherwise preserves the integrity of the reading frame. The frequency data for this variant in the population databases is considered unreliable, as metrics indicate poor data quality at this position in the gnomAD database. This variant has not been reported in the literature in individuals affected with TWIST1-related conditions. ClinVar contains an entry for this variant (Variation ID: 432962).

GeneDx
Classification: Uncertain significance. Last evaluated: 2020-10-01. Review status: criteria provided, single submitter. Criteria: GeneDx Variant Classification (06012015). Collection method: clinical testing. Allele origin: germline. Affected: yes.
Comment: The c.276_293del18 variant in the TWIST1 gene has not been reported previously as a pathogenic variant nor as a benign variant, to our knowledge. The c.276_293del18 variant causes an in-frame deletion of six amnio acids, denoted p.Ser94_Ser99del. The c.276_293del18 variant is observed in 2/9484 (0.02%) alleles from individuals of South Asian background, in the ExAC dataset (Lek et al., 2016). We interpret c.276_293del18 as a variant of uncertain significance.

NM_000474.4(TWIST1):c.276_293del (p.Ser94_Ser99del)

Gene: TWIST1 (twist family bHLH transcription factor 1; minus strand). Cytogenetic location: 7p21.1.
Variant type: Deletion.
Coding change: c.276_293del on transcript NM_000474.4 (MANE Select); coding-DNA positions 276 to 293, 18 bases deleted (CAGCAGCAGCGGCGGCGG).
Protein change: p.Ser94_Ser99del.
Molecular consequence: inframe deletion. On other transcripts: non-coding transcript variant (1).
Genome position (GRCh38, 1-based): chr7:19,117,029-19,117,046, CCGCCGCCGCTGCTGCTG deleted on the plus strand (CAGCAGCAGCGGCGGCGG on the coding strand, the reverse complement: TWIST1 is on the minus strand); deleting any 18 consecutive bases within chr7:19,117,029-19,117,056 gives the same sequence; the c. name uses the placement nearest the transcript's 3' end. VCF-style (leftmost placement, unchanged base first): chr7-19117028-CCCGCCGCCGCTGCTGCTG-C. GRCh37 (hg19) VCF-style: chr7-19156651-CCCGCCGCCGCTGCTGCTG-C.
Other names: c.276_293delCAGCAGCAGCGGCGGCGG (NM_000474.3).
Identifiers: ClinVar variation 432962 (VCV000432962.8), dbSNP rs772470139, ClinGen allele CA4174514.